The following is an entry in ClinVar:

NM_001260.3(CDK8):c.412G>A (p.Gly138Ser)

Gene: CDK8 (cyclin dependent kinase 8; plus strand). Cytogenetic location: 13q12.13.
Variant type: single nucleotide variant.
Coding change: c.412G>A on transcript NM_001260.3 (MANE Select); coding-DNA position 412, G replaced by A.
Protein change: p.Gly138Ser; replaces glycine 138 with serine.
Molecular consequence: missense variant. On other transcripts: 5 prime UTR variant (1).
Genome position (GRCh38, 1-based): chr13:26,353,836, G>A. VCF-style: chr13-26353836-G-A. GRCh37 (hg19) VCF-style: chr13-26927973-G-A.
Other names: c.412G>A, p.Gly138Ser (NM_001318368.2); c.-50G>A (NM_001346501.2); short protein forms G138S.
Identifiers: ClinVar variation 2626998 (VCV002626998.1), dbSNP rs2542409164, ClinGen allele CA387684018.
Genomic context (GRCh38, chr13:26,353,836, plus strand): 5'-AAGAAGCCAGTTCAGTTACCTCGGGGAATGGTGAAGTCACTATTATATCAGATCCTAGAT[G>A]GTATTCACTACCTGCATGCTAACTGGGTGTTGCACAGAGATTTGGTAAGTTGACCTGTAA-3'
Protein context (NP_001251.1, residues 128-148): VKSLLYQILD[Gly138Ser]IHYLHANWVL

ClinVar aggregate classification (germline): Uncertain significance (1 of 4 stars; one submission).

Submission:

Greenwood Genetic Center Diagnostic Laboratories, Greenwood Genetic Center
Classification: Uncertain significance. Last evaluated: 2023-07-20. Review status: criteria provided, single submitter. Criteria: ACMG Guidelines, 2015. Collection method: clinical testing. Allele origin: germline. Affected: yes.
Comment: PM2